The following is an entry in ClinVar:

ClinVar aggregate classification (germline): Uncertain significance (1 of 4 stars; one submission).

Allele frequency attached by ClinVar (database versions not stated): gnomAD exomes 0.00001; gnomAD 0.00002 and 0.00003; TOPMed 0.00002.
gnomAD v4.1: 27 of 1,539,700 alleles (0.0018%); highest among the groups gnomAD compares: Admixed American, 0.0079%; no homozygotes.

Submission:

Labcorp Genetics (formerly Invitae), Labcorp
Classification: Uncertain significance. Last evaluated: 2021-09-02. Review status: criteria provided, single submitter. Criteria: Invitae Variant Classification Sherloc (09022015). Collection method: clinical testing. Allele origin: germline.
Comment: This sequence change replaces proline with leucine at codon 145 of the FAM20C protein (p.Pro145Leu). The proline residue is weakly conserved and there is a moderate physicochemical difference between proline and leucine. The frequency data for this variant in the population databases is considered unreliable, as metrics indicate insufficient coverage at this position in the ExAC database. This variant has not been reported in the literature in individuals affected with FAM20C-related conditions. Algorithms developed to predict the effect of missense changes on protein structure and function output the following: SIFT: "Tolerated"; PolyPhen-2: "Benign"; Align-GVGD: "Class C0". The leucine amino acid residue is found in multiple mammalian species, which suggests that this missense change does not adversely affect protein function. In summary, the available evidence is currently insufficient to determine the role of this variant in disease. Therefore, it has been classified as a Variant of Uncertain Significance.

NM_020223.4(FAM20C):c.434C>T (p.Pro145Leu)

Gene: FAM20C (FAM20C golgi associated secretory pathway kinase; plus strand). Cytogenetic location: 7p22.3.
Variant type: single nucleotide variant.
Coding change: c.434C>T on transcript NM_020223.4 (MANE Select); coding-DNA position 434, C replaced by T.
Protein change: p.Pro145Leu; replaces proline 145 with leucine.
Molecular consequence: missense variant.
Genome position (GRCh38, 1-based): chr7:193,633, C>T. VCF-style: chr7-193633-C-T. GRCh37 (hg19) VCF-style: chr7-193633-C-T.
Other names: short protein forms P145L.
Identifiers: ClinVar variation 952304 (VCV000952304.7), dbSNP rs996631258, ClinGen allele CA152256796.